The following is an entry in ClinVar:

ClinVar aggregate classification (germline): Uncertain significance (1 of 4 stars; one submission).

Conditions:
Cystic fibrosis (CF). Also called: MUCOVISCIDOSIS. Identifiers: Orphanet 586, MedGen C0010674, MONDO:0009061, OMIM 219700. Disease mechanism: loss of function.

Submission:

Labcorp Genetics (formerly Invitae), Labcorp
Classification: Uncertain significance for Cystic fibrosis. Last evaluated: 2024-03-23. Review status: criteria provided, single submitter. Criteria: Invitae Variant Classification Sherloc (09022015). Collection method: clinical testing. Allele origin: germline.
Comment: This sequence change replaces leucine, which is neutral and non-polar, with histidine, which is basic and polar, at codon 428 of the CFTR protein (p.Leu428His). This variant is not present in population databases (gnomAD no frequency). This variant has not been reported in the literature in individuals affected with CFTR-related conditions. ClinVar contains an entry for this variant (Variation ID: 1431652). Advanced modeling of protein sequence and biophysical properties (such as structural, functional, and spatial information, amino acid conservation, physicochemical variation, residue mobility, and thermodynamic stability) performed at Invitae indicates that this missense variant is expected to disrupt CFTR protein function with a positive predictive value of 80%. In summary, the available evidence is currently insufficient to determine the role of this variant in disease. Therefore, it has been classified as a Variant of Uncertain Significance.

NM_000492.4(CFTR):c.1283T>A (p.Leu428His)

Genes: CFTR (CF transmembrane conductance regulator; plus strand), CFTR-AS1 (CFTR antisense RNA 1; minus strand). Cytogenetic location: 7q31.2.
Variant type: single nucleotide variant.
Coding change: c.1283T>A on transcript NM_000492.4 (MANE Select); coding-DNA position 1283, T replaced by A.
Protein change: p.Leu428His; replaces leucine 428 with histidine.
Molecular consequence: missense variant.
Genome position (GRCh38, 1-based): chr7:117,548,714, T>A. VCF-style: chr7-117548714-T-A. GRCh37 (hg19) VCF-style: chr7-117188768-T-A.
Other names: short protein forms L428H.
Identifiers: ClinVar variation 1431652 (VCV001431652.6), dbSNP rs2115903258, ClinGen allele CA368981643.